The following is an entry in ClinVar:

ClinVar aggregate classification (germline): Uncertain significance (1 of 4 stars; one submission).

Allele frequency attached by ClinVar (database versions not stated): ExAC 0.00001; gnomAD exomes 0.00001.
gnomAD v4.1: 74 of 1,497,342 alleles (0.0049%); highest among the groups gnomAD compares: Non-Finnish European, 0.0061%; no homozygotes.

Submission:

Labcorp Genetics (formerly Invitae), Labcorp
Classification: Uncertain significance. Last evaluated: 2022-06-09. Review status: criteria provided, single submitter. Criteria: Invitae Variant Classification Sherloc (09022015). Collection method: clinical testing. Allele origin: germline.
Comment: This sequence change replaces glutamic acid, which is acidic and polar, with lysine, which is basic and polar, at codon 499 of the IL2RB protein (p.Glu499Lys). This variant is present in population databases (rs764168940, gnomAD 0.003%). This variant has not been reported in the literature in individuals affected with IL2RB-related conditions. Algorithms developed to predict the effect of missense changes on protein structure and function output the following: SIFT: "Tolerated"; PolyPhen-2: "Benign"; Align-GVGD: "Class C0". The lysine amino acid residue is found in multiple mammalian species, which suggests that this missense change does not adversely affect protein function. In summary, the available evidence is currently insufficient to determine the role of this variant in disease. Therefore, it has been classified as a Variant of Uncertain Significance.

NM_000878.5(IL2RB):c.1495G>A (p.Glu499Lys)

Gene: IL2RB (interleukin 2 receptor subunit beta; minus strand). Cytogenetic location: 22q12.3.
Variant type: single nucleotide variant.
Coding change: c.1495G>A on transcript NM_000878.5 (MANE Select); coding-DNA position 1495, G replaced by A.
Protein change: p.Glu499Lys; replaces glutamic acid 499 with lysine.
Molecular consequence: missense variant.
Genome position (GRCh38, 1-based): chr22:37,128,257, C>T on the plus strand (G>A on the coding strand, the complement: IL2RB is on the minus strand). VCF-style: chr22-37128257-C-T. GRCh37 (hg19) VCF-style: chr22-37524297-C-T.
Other names: c.1495G>A, p.Glu499Lys (NM_001346222.1, NM_001346223.2); short protein forms E499K.
Identifiers: ClinVar variation 1488109 (VCV001488109.5), dbSNP rs764168940, ClinGen allele CA10216315.